The following is an entry in ClinVar:

NM_001277115.2(DNAH11):c.12262C>T (p.His4088Tyr)

Gene: DNAH11 (dynein axonemal heavy chain 11; plus strand). Cytogenetic location: 7p15.3.
Variant type: single nucleotide variant.
Coding change: c.12262C>T on transcript NM_001277115.2 (MANE Select); coding-DNA position 12262, C replaced by T.
Protein change: p.His4088Tyr; replaces histidine 4088 with tyrosine.
Molecular consequence: missense variant.
Genome position (GRCh38, 1-based): chr7:21,880,768, C>T. VCF-style: chr7-21880768-C-T. GRCh37 (hg19) VCF-style: chr7-21920386-C-T.
Other names: short protein forms H4088Y.
Identifiers: ClinVar variation 971122 (VCV000971122.8), dbSNP rs1229709690, ClinGen allele CA366963991.

ClinVar aggregate classification (germline): Uncertain significance. Review status: criteria provided, multiple submitters, no conflicts (2 of 4 stars). 2 submissions from 2 submitters: Uncertain significance (2). Last evaluated 2025-01-09.

Conditions:
Primary ciliary dyskinesia. Also called: Ciliary dyskinesia. Identifiers: Orphanet 244, MedGen C0008780, MONDO:0016575, HP:0012265.

Allele frequency attached by ClinVar (database versions not stated): gnomAD exomes below 0.00001; TOPMed below 0.00001.
gnomAD v4.1: 5 of 1,613,978 alleles (0.00031%); highest among the groups gnomAD compares: Non-Finnish European, 0.00034%; no homozygotes.

Submissions (2):

GeneDx
Classification: Uncertain significance. Last evaluated: 2025-01-09. Review status: criteria provided, single submitter. Criteria: GeneDx Variant Classification Process June 2021. Collection method: clinical testing. Allele origin: germline. Affected: yes.
Comment: Not observed at significant frequency in large population cohorts (gnomAD); In silico analysis supports that this missense variant has a deleterious effect on protein structure/function; Has not been previously published as pathogenic or benign to our knowledge

Labcorp Genetics (formerly Invitae), Labcorp
Classification: Uncertain significance for Primary ciliary dyskinesia. Last evaluated: 2022-10-17. Review status: criteria provided, single submitter. Criteria: Invitae Variant Classification Sherloc (09022015). Collection method: clinical testing. Allele origin: germline.
Comment: This sequence change replaces histidine, which is basic and polar, with tyrosine, which is neutral and polar, at codon 4088 of the DNAH11 protein (p.His4088Tyr). This variant is present in population databases (no rsID available, gnomAD 0.004%). This missense change has been observed in individual(s) with clinical features of DNAH11-related conditions (Invitae). ClinVar contains an entry for this variant (Variation ID: 971122). Advanced modeling of protein sequence and biophysical properties (such as structural, functional, and spatial information, amino acid conservation, physicochemical variation, residue mobility, and thermodynamic stability) performed at Invitae indicates that this missense variant is not expected to disrupt DNAH11 protein function. In summary, the available evidence is currently insufficient to determine the role of this variant in disease. Therefore, it has been classified as a Variant of Uncertain Significance.